The following is an entry in ClinVar:

NM_017534.6(MYH2):c.2210C>A (p.Pro737His)

Genes: MYH2 (myosin heavy chain 2; minus strand), MYHAS (myosin heavy chain gene cluster antisense RNA; plus strand). Cytogenetic location: 17p13.1.
Variant type: single nucleotide variant.
Coding change: c.2210C>A on transcript NM_017534.6 (MANE Select); coding-DNA position 2210, C replaced by A.
Protein change: p.Pro737His; replaces proline 737 with histidine.
Molecular consequence: missense variant.
Genome position (GRCh38, 1-based): chr17:10,533,603, G>T on the plus strand (C>A on the coding strand, the complement: MYH2 is on the minus strand). VCF-style: chr17-10533603-G-T. GRCh37 (hg19) VCF-style: chr17-10436920-G-T.
Other names: c.2210C>A, p.Pro737His (NM_001100112.2); short protein forms P737H.
Identifiers: ClinVar variation 2724688 (VCV002724688.3), dbSNP rs2073450222, ClinGen allele CA398149378.

ClinVar aggregate classification (germline): Uncertain significance (1 of 4 stars; one submission).

Conditions:
Myopathy, proximal, and ophthalmoplegia (CMYO6). Also called: CONGENITAL MYOPATHY 6 WITH OPHTHALMOPLEGIA; INCLUSION BODY MYOPATHY 3, AUTOSOMAL DOMINANT; MYOPATHY WITH CONGENITAL JOINT CONTRACTURES, OPHTHALMOPLEGIA, AND RIMMED VACUOLES. Identifiers: Orphanet 363677, Orphanet 79091, MedGen C1854106, MONDO:0011577, OMIM 605637.

Submission:

Labcorp Genetics (formerly Invitae), Labcorp
Classification: Uncertain significance for Myopathy, proximal, and ophthalmoplegia. Last evaluated: 2023-09-12. Review status: criteria provided, single submitter. Criteria: Invitae Variant Classification Sherloc (09022015). Collection method: clinical testing. Allele origin: germline.
Comment: This variant is not present in population databases (gnomAD no frequency). This sequence change replaces proline, which is neutral and non-polar, with histidine, which is basic and polar, at codon 737 of the MYH2 protein (p.Pro737His). This variant has not been reported in the literature in individuals affected with MYH2-related conditions. Advanced modeling of protein sequence and biophysical properties (such as structural, functional, and spatial information, amino acid conservation, physicochemical variation, residue mobility, and thermodynamic stability) performed at Invitae indicates that this missense variant is expected to disrupt MYH2 protein function. In summary, the available evidence is currently insufficient to determine the role of this variant in disease. Therefore, it has been classified as a Variant of Uncertain Significance.